The following is an entry in ClinVar:

ClinVar aggregate classification (germline): Uncertain significance (1 of 4 stars; one submission).

Conditions:
Benign neonatal seizures. Also called: Benign familial neonatal seizures; Benign familial neonatal epilepsy; Convulsions benign familial neonatal dominant form; Autosomal dominant form of benign neonatal seizures; Benign neonatal familial convulsions. Identifiers: Orphanet 1949, MedGen C0220669, MONDO:0016027.

Submission:

Labcorp Genetics (formerly Invitae), Labcorp
Classification: Uncertain significance for Benign neonatal seizures. Last evaluated: 2025-12-27. Review status: criteria provided, single submitter. Criteria: Invitae Variant Classification Sherloc (09022015). Collection method: clinical testing. Allele origin: germline.
Comment: This sequence change replaces valine, which is neutral and non-polar, with leucine, which is neutral and non-polar, at codon 605 of the KCNQ3 protein (p.Val605Leu). This variant is not present in population databases (gnomAD no frequency). This variant has not been reported in the literature in individuals affected with KCNQ3-related conditions. Invitae Evidence Modeling of protein sequence and biophysical properties (such as structural, functional, and spatial information, amino acid conservation, physicochemical variation, residue mobility, and thermodynamic stability) indicates that this missense variant is not expected to disrupt KCNQ3 protein function with a negative predictive value of 95%. In summary, the available evidence is currently insufficient to determine the role of this variant in disease. Therefore, it has been classified as a Variant of Uncertain Significance.

NM_004519.4(KCNQ3):c.1813G>T (p.Val605Leu)

Gene: KCNQ3 (potassium voltage-gated channel subfamily Q member 3; minus strand). Cytogenetic location: 8q24.22.
Variant type: single nucleotide variant.
Coding change: c.1813G>T on transcript NM_004519.4 (MANE Select); coding-DNA position 1813, G replaced by T.
Protein change: p.Val605Leu; replaces valine 605 with leucine.
Molecular consequence: missense variant.
Genome position (GRCh38, 1-based): chr8:132,132,251, C>A on the plus strand (G>T on the coding strand, the complement: KCNQ3 is on the minus strand). VCF-style: chr8-132132251-C-A. GRCh37 (hg19) VCF-style: chr8-133144498-C-A.
Other names: c.1453G>T, p.Val485Leu (NM_001204824.2); short protein forms V485L, V605L.
Identifiers: ClinVar variation 4802765 (VCV004802765.1).